The following is an entry in ClinVar:

NM_000682.7(ADRA2B):c.664C>T (p.Arg222Ter)

Gene: ADRA2B (adrenoceptor alpha 2B; minus strand). Cytogenetic location: 2q11.2.
Variant type: single nucleotide variant.
Coding change: c.664C>T on transcript NM_000682.7 (MANE Select); coding-DNA position 664, C replaced by T.
Protein change: p.Arg222Ter; replaces arginine 222 with a stop codon.
Molecular consequence: nonsense.
Genome position (GRCh38, 1-based): chr2:96,115,486, G>A on the plus strand (C>T on the coding strand, the complement: ADRA2B is on the minus strand). VCF-style: chr2-96115486-G-A. GRCh37 (hg19) VCF-style: chr2-96781225-G-A.
Other names: short protein forms R222*.
Identifiers: ClinVar variation 191117 (VCV000191117.3), dbSNP rs786205528, ClinGen allele CA236055.
Genomic context (GRCh38, chr2:96,115,486, plus strand): 5'-AAGCCACAGAGGCCAGGGCTGGCAGTTTGGCTGAGGCCAAAGCCCCACCATGGTCGGGTC[G>A]GGGCTGCTTGGACTCACCCTGCCCAGGCCCCCCCTTGGCCCTGGGACCTCTGCGGTTGCT-3'

ClinVar aggregate classification (germline): Conflicting classifications of pathogenicity. Review status: criteria provided, conflicting classifications (1 of 4 stars). 3 submissions from 3 submitters: Likely pathogenic (1); Uncertain significance (2). Last evaluated 2024-10-02.

Conditions:
Epilepsy, familial adult myoclonic, 2 (FAME2). Also called: CORTICAL MYOCLONUS AND EPILEPSY, AUTOSOMAL DOMINANT; BENIGN ADULT FAMILIAL MYOCLONIC EPILEPSY 2; CORTICAL MYOCLONIC TREMOR WITH EPILEPSY, FAMILIAL, 2. Identifiers: Orphanet 86814, MedGen C1842852, MONDO:0011930, OMIM 607876.

Allele frequency attached by ClinVar (database versions not stated): TOPMed below 0.00001.

Submissions (3):

Women's Health and Genetics/Laboratory Corporation of America, LabCorp
Classification: Uncertain significance. Last evaluated: 2024-10-02. Review status: criteria provided, single submitter. Criteria: LabCorp Variant Classification Summary - May 2015. Collection method: clinical testing. Allele origin: germline.
Comment: Variant summary: ADRA2B c.664C>T (p.Arg222X) results in a premature termination codon, predicted to cause a truncation of the encoded protein or absence of the protein due to nonsense mediated decay, however current evidence is not sufficient to establish loss of function as a mechanism for disease. The variant was absent in 248014 control chromosomes (gnomAD). The available data on variant occurrences in the general population are insufficient to allow any conclusion about variant significance. c.664C>T has been reported in the literature in individuals affected with intellectual disability or neurodevelopmental disorders without strong evidence of causality (e.g. Abouelhoda_2016, Monies_2019, Al Abdi_2023). These reports do not provide unequivocal conclusions about association of the variant with ADRA2B-Related Disorders. To our knowledge, no experimental evidence demonstrating an impact on protein function has been reported. The following publications have been ascertained in the context of this evaluation (PMID: 27124789, 31130284, 37644014, 27431290). ClinVar contains an entry for this variant (Variation ID: 191117). Based on the evidence outlined above, the variant was classified as uncertain significance.

Baylor Genetics
Classification: Uncertain significance for Epilepsy, familial adult myoclonic, 2. Last evaluated: 2019-09-27. Review status: criteria provided, single submitter. Criteria: ACMG Guidelines, 2015. Collection method: clinical testing. Allele origin: unknown. Affected: yes.
Comment: This variant was determined to be of uncertain significance according to ACMG Guidelines, 2015 [PMID:25741868].

Genomic Medicine Center of Excellence, King Faisal Specialist Hospital and Research Centre
Classification: Likely pathogenic. Review status: criteria provided, single submitter. Criteria: ACMG Guidelines, 2015. Collection method: research. Allele origin: germline. Affected: yes.

Literature cited by the submitters: PubMed 31130284 (cited by Women's Health and Genetics/Laboratory Corporation of America, LabCorp); PubMed 27124789 (cited by Women's Health and Genetics/Laboratory Corporation of America, LabCorp); PubMed 37644014 (cited by Women's Health and Genetics/Laboratory Corporation of America, LabCorp); PubMed 27431290 (cited by Women's Health and Genetics/Laboratory Corporation of America, LabCorp).